The following is an entry in ClinVar:

NM_203446.3(SYNJ1):c.3827C>G (p.Pro1276Arg)

Gene: SYNJ1 (synaptojanin 1; minus strand). Cytogenetic location: 21q22.11.
Variant type: single nucleotide variant.
Coding change: c.3827C>G on transcript NM_203446.3 (MANE Select); coding-DNA position 3827, C replaced by G.
Protein change: p.Pro1276Arg; replaces proline 1276 with arginine.
Molecular consequence: missense variant.
Genome position (GRCh38, 1-based): chr21:32,638,996, G>C on the plus strand (C>G on the coding strand, the complement: SYNJ1 is on the minus strand). VCF-style: chr21-32638996-G-C. GRCh37 (hg19) VCF-style: chr21-34011306-G-C.
Other names: c.3779C>G, p.Pro1260Arg (NM_001160302.2); c.3686C>G, p.Pro1229Arg (NM_001160306.2); c.3944C>G, p.Pro1315Arg (NM_003895.4); short protein forms P1229R, P1315R, P1276R, P1260R.
Identifiers: ClinVar variation 1498828 (VCV001498828.6), dbSNP rs375902516, ClinGen allele CA410086790.

ClinVar aggregate classification (germline): Uncertain significance (1 of 4 stars; one submission).

Conditions:
Developmental and epileptic encephalopathy, 53. Also called: Epileptic encephalopathy, early infantile, 53. Identifiers: MedGen C4479313, MONDO:0033362, OMIM 617389.
Early-onset Parkinson disease 20. Also called: PARKINSON DISEASE 20, AUTOSOMAL RECESSIVE EARLY-ONSET. Identifiers: Orphanet 391411, MedGen C3809824, MONDO:0014233, OMIM 615530.

Submission:

Labcorp Genetics (formerly Invitae), Labcorp
Classification: Uncertain significance for Developmental and epileptic encephalopathy, 53; Early-onset Parkinson disease 20. Last evaluated: 2021-08-16. Review status: criteria provided, single submitter. Criteria: Invitae Variant Classification Sherloc (09022015). Collection method: clinical testing. Allele origin: germline.
Comment: This sequence change replaces proline with arginine at codon 1315 of the SYNJ1 protein (p.Pro1315Arg). The proline residue is moderately conserved and there is a moderate physicochemical difference between proline and arginine. In summary, the available evidence is currently insufficient to determine the role of this variant in disease. Therefore, it has been classified as a Variant of Uncertain Significance. Algorithms developed to predict the effect of missense changes on protein structure and function are either unavailable or do not agree on the potential impact of this missense change (SIFT: "Deleterious"; PolyPhen-2: "Benign"; Align-GVGD: "Class C0"). This variant has not been reported in the literature in individuals affected with SYNJ1-related conditions. This variant is not present in population databases (ExAC no frequency).